The following is an entry in ClinVar:

NM_005120.3(MED12):c.823C>G (p.Leu275Val)

Gene: MED12 (mediator complex subunit 12; plus strand). Cytogenetic location: Xq13.1.
Variant type: single nucleotide variant.
Coding change: c.823C>G on transcript NM_005120.3 (MANE Select); coding-DNA position 823, C replaced by G.
Protein change: p.Leu275Val; replaces leucine 275 with valine.
Molecular consequence: missense variant.
Genome position (GRCh38, 1-based): chrX:71,121,414, C>G. VCF-style: chrX-71121414-C-G. GRCh37 (hg19) VCF-style: chrX-70341264-C-G.
Other names: p.Leu275Val; short protein forms L275V.
Identifiers: ClinVar variation 1327474 (VCV001327474.3), dbSNP rs2147778826, ClinGen allele CA413504054.

ClinVar aggregate classification (germline): Uncertain significance (1 of 4 stars; one submission).

Conditions:
Blepharophimosis - intellectual disability syndrome, MKB type. Also called: BLEPHAROPHIMOSIS-MENTAL RETARDATION SYNDROME, MAAT-KIEVIT-BRUNNER TYPE; Ohdo syndrome, X-linked; X-Linked Ohdo Syndrome (XLOS). Identifiers: Orphanet 293707, MedGen C3698541, MONDO:0010477, OMIM 300895.

Submission:

Foundation for Research in Genetics and Endocrinology, FRIGE's Institute of Human Genetics
Classification: Uncertain significance for Blepharophimosis - intellectual disability syndrome, MKB type. Last evaluated: 2021-09-01. Review status: criteria provided, single submitter. Criteria: ACMG Guidelines, 2015. Collection method: research. Allele origin: maternal. Inheritance: X-linked recessive inheritance. Affected: yes. Observed: 1 hemizygote.
Comment: A hemizygous missense variation in exon 6 of the MED12 gene that results in the amino acid substitution of Valine for Leucine at codon 275 was detected. The observed variant c.823C>G (p.Leu275Val) has not been reported in the 1000 genomes and gnomAD databases. The in-silico prediction of the variant are damaging by SIFT, LRT and MutationTaster2. The reference codon is conserved across species. In summary, the variant meets our criteria to be classified as a variant of uncertain significance.